The following is an entry in ClinVar:

NM_001167623.2(CACNA1C):c.3912T>C (p.Asn1304=)

Gene: CACNA1C (calcium voltage-gated channel subunit alpha1 C; plus strand). Cytogenetic location: 12p13.33.
Variant type: single nucleotide variant.
Coding change: c.3912T>C on transcript NM_001167623.2 (MANE Plus Clinical); coding-DNA position 3912, T replaced by C.
Protein change: p.Asn1304=; no amino-acid change (asparagine 1304 retained).
Molecular consequence: synonymous variant. On other transcripts: intron variant (13).
Genome position (GRCh38, 1-based): chr12:2,633,712, T>C. VCF-style: chr12-2633712-T-C. GRCh37 (hg19) VCF-style: chr12-2742878-T-C.
Other names: c.3972T>C, p.Asn1324= (NM_001129827.2, NM_199460.4); c.3912T>C, p.Asn1304= (NM_001129831.2, NM_001129833.2, NM_001129836.2 and 3 more transcripts); c.3903T>C, p.Asn1301= (NM_001129844.2); c.3829-585T>C (NM_001167625.2, NM_001129840.2, NM_001129829.2 and 9 more transcripts); c.3889-585T>C (NM_001129832.2).
Identifiers: ClinVar variation 3338938 (VCV003338938.1).

ClinVar aggregate classification (germline): Likely benign (1 of 4 stars; one submission).

gnomAD v4.1: 2 of 1,559,700 alleles (0.00013%); highest among the groups gnomAD compares: Admixed American, 0.0017%; no homozygotes.

Submission:

Women's Health and Genetics/Laboratory Corporation of America, LabCorp
Classification: Likely benign. Last evaluated: 2024-07-11. Review status: criteria provided, single submitter. Criteria: LabCorp Variant Classification Summary - May 2015. Collection method: clinical testing. Allele origin: germline.
Comment: Variant summary: CACNA1C c.3829-585T>C is located at a position not widely known to affect splicing in NM_000719. In alternative transcript NM_001129836, this variant is also known as c.3912T>C p.Asn1304Asn. Consensus agreement among computation tools predict no significant impact on normal splicing. However, these predictions have yet to be confirmed by functional studies. The variant allele was found at a frequency of 4e-06 in 248674 control chromosomes. The available data on variant occurrences in the general population are insufficient to allow any conclusion about variant significance. To our knowledge, no occurrence of c.3829-585T>C in individuals affected with Timothy Syndrome and no experimental evidence demonstrating its impact on protein function have been reported. No submitters have cited clinical-significance assessments for this variant to ClinVar. Based on the evidence outlined above, the variant was classified as likely benign.